The following is an entry in ClinVar:

ClinVar aggregate classification (germline): Uncertain significance (1 of 4 stars; one submission).

Allele frequency attached by ClinVar (database versions not stated): TOPMed 0.00001; ESP Exome Variant Server 0.00008.
gnomAD v4.1: 12 of 1,613,478 alleles (0.00074%); highest among the groups gnomAD compares: Non-Finnish European, 0.00093%; no homozygotes.

Submission:

GeneDx
Classification: Uncertain significance. Last evaluated: 2017-06-21. Review status: criteria provided, single submitter. Criteria: GeneDx Variant Classification (06012015). Collection method: clinical testing. Allele origin: germline. Affected: yes.
Comment: The T156I variant in the GUCY2C gene has not been reported previously as a pathogenic variant, nor as a benign variant, to our knowledge. The T156I variant is not observed in large population cohorts (Lek et al., 2016; 1000 Genomes Consortium et al., 2015; Exome Variant Server). The T156I variant is a non-conservative amino acid substitution, which is likely to impact secondary protein structure as these residues differ in polarity, charge, size and/or other properties. This substitution occurs at a position that is conserved in mammals. In silico analysis is inconsistent in its predictions as to whether or not the variant is damaging to the protein structure/function. We interpret T156I as a variant of uncertain significance.

NM_004963.4(GUCY2C):c.467C>T (p.Thr156Ile)

Genes: GUCY2C (guanylate cyclase 2C; minus strand), GUCY2C-AS1 (GUCY2C antisense RNA 1; plus strand). Cytogenetic location: 12p12.3.
Variant type: single nucleotide variant.
Coding change: c.467C>T on transcript NM_004963.4 (MANE Select); coding-DNA position 467, C replaced by T.
Protein change: p.Thr156Ile; replaces threonine 156 with isoleucine.
Molecular consequence: missense variant.
Genome position (GRCh38, 1-based): chr12:14,683,186, G>A on the plus strand (C>T on the coding strand, the complement: GUCY2C is on the minus strand). VCF-style: chr12-14683186-G-A. GRCh37 (hg19) VCF-style: chr12-14836120-G-A.
Other names: short protein forms T156I.
Identifiers: ClinVar variation 432841 (VCV000432841.2), dbSNP rs147745948, ClinGen allele CA233237588.